The following is an entry in ClinVar:

ClinVar aggregate classification (germline): Uncertain significance (1 of 4 stars; one submission).

Conditions:
DICER1-related tumor predisposition. Also called: DICER1-related pleuropulmonary blastoma cancer predisposition syndrome; DICER1 syndrome. Identifiers: Orphanet 284343, MedGen C3839822, MONDO:0100216.

Submission:

Labcorp Genetics (formerly Invitae), Labcorp
Classification: Uncertain significance for DICER1-related tumor predisposition. Last evaluated: 2023-12-14. Review status: criteria provided, single submitter. Criteria: Invitae Variant Classification Sherloc (09022015). Collection method: clinical testing. Allele origin: germline.
Comment: This sequence change replaces aspartic acid, which is acidic and polar, with glycine, which is neutral and non-polar, at codon 1497 of the DICER1 protein (p.Asp1497Gly). This variant is not present in population databases (gnomAD no frequency). This variant has not been reported in the literature in individuals affected with DICER1-related conditions. An algorithm developed to predict the effect of missense changes on protein structure and function (PolyPhen-2) suggests that this variant is likely to be tolerated. In summary, the available evidence is currently insufficient to determine the role of this variant in disease. Therefore, it has been classified as a Variant of Uncertain Significance.

NM_177438.3(DICER1):c.4490A>G (p.Asp1497Gly)

Gene: DICER1 (dicer 1, ribonuclease III; minus strand). Cytogenetic location: 14q32.13.
Variant type: single nucleotide variant.
Coding change: c.4490A>G on transcript NM_177438.3 (MANE Select); coding-DNA position 4490, A replaced by G.
Protein change: p.Asp1497Gly; replaces aspartic acid 1497 with glycine.
Molecular consequence: missense variant. On other transcripts: non-coding transcript variant (6).
Genome position (GRCh38, 1-based): chr14:95,096,430, T>C on the plus strand (A>G on the coding strand, the complement: DICER1 is on the minus strand). VCF-style: chr14-95096430-T-C. GRCh37 (hg19) VCF-style: chr14-95562767-T-C.
Other names: c.4085A>G, p.Asp1362Gly (NM_001395689.1, NM_001395690.1, NM_001395696.1 and 2 more transcripts); c.3923A>G, p.Asp1308Gly (NM_001395691.1); c.4490A>G, p.Asp1497Gly (NM_001395692.1, NM_001395693.1, NM_001395694.1 and 13 more transcripts); c.2807A>G, p.Asp936Gly (NM_001395697.1); c.4208A>G, p.Asp1403Gly (NM_001395686.1); short protein forms D1308G, D1362G, D1497G, D936G, D1403G.
Identifiers: ClinVar variation 2795720 (VCV002795720.3), dbSNP rs1595341147, ClinGen allele CA390868135.